The following is an entry in ClinVar:

NM_145725.3(TRAF3):c.1046G>C (p.Ser349Thr)

Gene: TRAF3 (TNF receptor associated factor 3; plus strand). Cytogenetic location: 14q32.32.
Variant type: single nucleotide variant.
Coding change: c.1046G>C on transcript NM_145725.3 (MANE Select); coding-DNA position 1046, G replaced by C.
Protein change: p.Ser349Thr; replaces serine 349 with threonine.
Molecular consequence: missense variant.
Genome position (GRCh38, 1-based): chr14:102,903,340, G>C. VCF-style: chr14-102903340-G-C. GRCh37 (hg19) VCF-style: chr14-103369677-G-C.
Other names: c.797G>C, p.Ser266Thr (NM_001199427.2); c.905G>C, p.Ser302Thr (NM_001385142.1); c.965G>C, p.Ser322Thr (NM_001385143.1); c.1046G>C, p.Ser349Thr (NM_003300.4); c.971G>C, p.Ser324Thr (NM_145726.3); short protein forms S322T, S266T, S324T, S302T, S349T.
Identifiers: ClinVar variation 4705342 (VCV004705342.1).

ClinVar aggregate classification (germline): Uncertain significance (1 of 4 stars; one submission).

Conditions:
Immunodeficiency 132A. Also called: Herpes simplex encephalitis, susceptibility to, 3. Identifiers: Orphanet 1930, MedGen C3553868, MONDO:0013920, OMIM 614849.

Submission:

Labcorp Genetics (formerly Invitae), Labcorp
Classification: Uncertain significance for Immunodeficiency 132A. Last evaluated: 2025-08-03. Review status: criteria provided, single submitter. Criteria: Invitae Variant Classification Sherloc (09022015). Collection method: clinical testing. Allele origin: germline.
Comment: This sequence change replaces serine, which is neutral and polar, with threonine, which is neutral and polar, at codon 349 of the TRAF3 protein (p.Ser349Thr). This variant is not present in population databases (gnomAD no frequency). This variant has not been reported in the literature in individuals affected with TRAF3-related conditions. An algorithm developed to predict the effect of missense changes on protein structure and function (PolyPhen-2) suggests that this variant is likely to be tolerated. In summary, the available evidence is currently insufficient to determine the role of this variant in disease. Therefore, it has been classified as a Variant of Uncertain Significance.